The following is an entry in ClinVar:

NM_000359.3(TGM1):c.54G>A (p.Gln18=)

Gene: TGM1 (transglutaminase 1; minus strand). Cytogenetic location: 14q12.
Variant type: single nucleotide variant.
Coding change: c.54G>A on transcript NM_000359.3 (MANE Select); coding-DNA position 54, G replaced by A.
Protein change: p.Gln18=; no amino-acid change (glutamine 18 retained).
Molecular consequence: synonymous variant.
Genome position (GRCh38, 1-based): chr14:24,262,299, C>T on the plus strand (G>A on the coding strand, the complement: TGM1 is on the minus strand). VCF-style: chr14-24262299-C-T. GRCh37 (hg19) VCF-style: chr14-24731505-C-T.
Identifiers: ClinVar variation 776826 (VCV000776826.18), dbSNP rs41295336, ClinGen allele CA7131559.

ClinVar aggregate classification (germline): Benign. Review status: criteria provided, multiple submitters, no conflicts (2 of 4 stars). 5 submissions from 5 submitters: Benign (4). 1 of the submissions does not count toward it. Last evaluated 2026-01-28.

Conditions:
Autosomal recessive congenital ichthyosis 1 (LI1). Also called: ICHTHYOSIS, CONGENITAL, AUTOSOMAL RECESSIVE 1, WITH OR WITHOUT BATHING SUIT DISTRIBUTION; COLLODION FETUS; DESQUAMATION OF NEWBORN; ICHTHYOSIS CONGENITA; ICHTHYOSIS CONGENITA II; LAMELLAR EXFOLIATION OF NEWBORN. Identifiers: MedGen C4551630, MONDO:0009441, OMIM 242300.

Allele frequency attached by ClinVar (database versions not stated): gnomAD exomes 0.00064 and 0.00179; ExAC 0.00220; 1000 Genomes Project 30x 0.00562; 1000 Genomes Project 0.00579; ESP Exome Variant Server 0.00684; gnomAD 0.00699 and 0.00761; TOPMed 0.00789.

Submissions (5):

Labcorp Genetics (formerly Invitae), Labcorp
Classification: Benign. Last evaluated: 2026-01-28. Review status: criteria provided, single submitter. Criteria: Invitae Variant Classification Sherloc (09022015). Collection method: clinical testing. Allele origin: germline.

Illumina Laboratory Services, Illumina
Classification: Benign for Autosomal recessive congenital ichthyosis 1. Last evaluated: 2018-01-12. Review status: criteria provided, single submitter. Criteria: ICSL Variant Classification Criteria 13 December 2019. Collection method: clinical testing. Allele origin: germline.
Comment: This variant was observed in the ICSL laboratory as part of a predisposition screen in an ostensibly healthy population. It had not been previously curated by ICSL or reported in the Human Gene Mutation Database (HGMD: prior to June 1st, 2018), and was therefore a candidate for classification through an automated scoring system. Utilizing variant allele frequency, disease prevalence and penetrance estimates, and inheritance mode, an automated score was calculated to assess if this variant is too frequent to cause the disease. Based on the score and internal cut-off values, a variant classified as benign is not then subjected to further curation. The score for this variant resulted in a classification of benign for this disease.

Breakthrough Genomics
Classification: Benign. Review status: criteria provided, single submitter. Criteria: ACMG Guidelines, 2015. Collection method: not provided. Allele origin: germline. Inheritance: Autosomal recessive inheritance. Affected: yes.

Genome-Nilou Lab
Classification: Benign for Autosomal recessive congenital ichthyosis 1. Review status: criteria provided, single submitter. Criteria: ACMG Guidelines, 2015. Collection method: clinical testing. Allele origin: germline.

Natera, Inc.
Classification: Benign for Autosomal recessive congenital ichthyosis type 1. Last evaluated: 2020-09-16. Review status: no assertion criteria provided. Collection method: clinical testing. Allele origin: germline. Not counted in ClinVar's aggregate classification.